The following is an entry in ClinVar:

NM_002133.3(HMOX1):c.709C>G (p.Arg237Gly)

Gene: HMOX1 (heme oxygenase 1; plus strand). Cytogenetic location: 22q12.3.
Variant type: single nucleotide variant.
Coding change: c.709C>G on transcript NM_002133.3 (MANE Select); coding-DNA position 709, C replaced by G.
Protein change: p.Arg237Gly; replaces arginine 237 with glycine.
Molecular consequence: missense variant.
Genome position (GRCh38, 1-based): chr22:35,389,936, C>G. VCF-style: chr22-35389936-C-G. GRCh37 (hg19) VCF-style: chr22-35785929-C-G.
Other names: short protein forms R237G.
Identifiers: ClinVar variation 1046119 (VCV001046119.21), dbSNP rs145427664, ClinGen allele CA10204798.

ClinVar aggregate classification (germline): Conflicting classifications of pathogenicity. Review status: criteria provided, conflicting classifications (1 of 4 stars). 6 submissions from 6 submitters: Uncertain significance (1); Likely benign (2). 3 of the submissions do not count toward it. Last evaluated 2026-01-27.

Conditions:
HMOX1-related disorder. Also called: HMOX1-related condition.

Allele frequency attached by ClinVar (database versions not stated): 1000 Genomes Project 0.00020; 1000 Genomes Project 30x 0.00031; TOPMed 0.00158; ESP Exome Variant Server 0.00208.
gnomAD v4.1: 2,982 of 1,611,646 alleles (0.19%); highest among the groups gnomAD compares: Non-Finnish European, 0.22%; 1 homozygote.

Submissions (6):

Labcorp Genetics (formerly Invitae), Labcorp
Classification: Likely benign. Last evaluated: 2026-01-27. Review status: criteria provided, single submitter. Criteria: Invitae Variant Classification Sherloc (09022015). Collection method: clinical testing. Allele origin: germline.

Blueprint Genetics
Classification: Likely benign. Last evaluated: 2024-11-07. Review status: criteria provided, single submitter. Criteria: ACMG Guidelines, 2015. Collection method: clinical testing. Allele origin: germline.

Mayo Clinic Laboratories, Mayo Clinic
Classification: Uncertain significance. Last evaluated: 2022-11-02. Review status: criteria provided, single submitter. Criteria: ACMG Guidelines, 2015. Collection method: clinical testing. Allele origin: germline. Observed: 8 variant alleles.
Comment: BP4

PreventionGenetics, part of Exact Sciences
Classification: Likely benign for HMOX1-related condition. Last evaluated: 2022-05-18. Review status: no assertion criteria provided. Collection method: clinical testing. Allele origin: germline. Not counted in ClinVar's aggregate classification.
Comment: This variant is classified as likely benign based on ACMG/AMP sequence variant interpretation guidelines (Richards et al. 2015 PMID: 25741868, with internal and published modifications).

Clinical Genetics DNA and cytogenetics Diagnostics Lab, Erasmus MC, Erasmus Medical Center
Classification: Likely benign. Review status: no assertion criteria provided. Collection method: clinical testing. Allele origin: germline. Affected: yes. Study: VKGL Data-share Consensus. Not counted in ClinVar's aggregate classification.

Genome Diagnostics Laboratory, University Medical Center Utrecht
Classification: Likely benign. Review status: no assertion criteria provided. Collection method: clinical testing. Allele origin: germline. Affected: yes. Study: VKGL Data-share Consensus. Not counted in ClinVar's aggregate classification.